The following is an entry in ClinVar:

ClinVar aggregate classification (germline): Pathogenic (1 of 4 stars; one submission).

Conditions:
Multiple monogenic benign skin tumours.

Submission:

Genetics Laboratory, Great Ormond Street Hospital NHS Foundation Trust, North Thames Genomic Laboratory Hub
Classification: Pathogenic for Multiple monogenic benign skin tumours. Last evaluated: 2025-11-03. Review status: criteria provided, single submitter. Criteria: CanVIG Consensus Spec V3.0. Collection method: clinical testing. Allele origin: germline. Affected: yes.
Comment: PM2_moderate, PVS1_very-strong

NM_001378743.1(CYLD):c.2484del (p.Lys829fs)

Genes: CYLD (CYLD lysine 63 deubiquitinase; plus strand), CYLD-AS2 (CYLD antisense RNA 2; minus strand). Cytogenetic location: 16q12.1.
Variant type: Deletion.
Coding change: c.2484del on transcript NM_001378743.1 (MANE Select); coding-DNA position 2484, one base deleted (G; older notation c.2484delG).
Protein change: p.Lys829fs; shifts the reading frame from lysine 829.
Molecular consequence: frameshift variant. On other transcripts: non-coding transcript variant (1).
Genome position (GRCh38, 1-based): chr16:50,794,226, G deleted. VCF-style (leftmost placement, unchanged base first): chr16-50794225-CG-C. GRCh37 (hg19) VCF-style: chr16-50828136-CG-C.
Other names: c.2475del, p.Lys826fs (NM_001042355.2, NM_001042412.3, NM_001378744.1 and 6 more transcripts); c.2445del, p.Lys816fs (NM_001378751.1, NM_001378752.1, NM_001378753.1); c.1809del, p.Lys604fs (NM_001378754.1, NM_001378755.1); c.2484del, p.Lys829fs (NM_015247.3); short protein forms K604fs, K816fs, K826fs, K829fs.
Identifiers: ClinVar variation 4540449 (VCV004540449.1).